The following is an entry in ClinVar:

NM_001204.7(BMPR2):c.253T>C (p.Trp85Arg)

Gene: BMPR2 (bone morphogenetic protein receptor type 2; plus strand). Cytogenetic location: 2q33.1.
Variant type: single nucleotide variant.
Coding change: c.253T>C on transcript NM_001204.7 (MANE Select); coding-DNA position 253, T replaced by C.
Protein change: p.Trp85Arg; replaces tryptophan 85 with arginine.
Molecular consequence: missense variant.
Genome position (GRCh38, 1-based): chr2:202,467,524, T>C. VCF-style: chr2-202467524-T-C. GRCh37 (hg19) VCF-style: chr2-203332247-T-C.
Other names: short protein forms W85R.
Identifiers: ClinVar variation 2812636 (VCV002812636.3), dbSNP rs2469645103, ClinGen allele CA350399517.

ClinVar aggregate classification (germline): Uncertain significance (1 of 4 stars; one submission).

Conditions:
Primary pulmonary hypertension. Also called: Idiopathic pulmonary hypertension. Identifiers: MedGen C0152171.

Submission:

Labcorp Genetics (formerly Invitae), Labcorp
Classification: Uncertain significance for Primary pulmonary hypertension. Last evaluated: 2022-11-07. Review status: criteria provided, single submitter. Criteria: Invitae Variant Classification Sherloc (09022015). Collection method: clinical testing. Allele origin: germline.
Comment: In summary, the available evidence is currently insufficient to determine the role of this variant in disease. Therefore, it has been classified as a Variant of Uncertain Significance. Advanced modeling of protein sequence and biophysical properties (such as structural, functional, and spatial information, amino acid conservation, physicochemical variation, residue mobility, and thermodynamic stability) performed at Invitae indicates that this missense variant is expected to disrupt BMPR2 protein function. This variant has not been reported in the literature in individuals affected with BMPR2-related conditions. This variant is not present in population databases (gnomAD no frequency). This sequence change replaces tryptophan, which is neutral and slightly polar, with arginine, which is basic and polar, at codon 85 of the BMPR2 protein (p.Trp85Arg).